The following is an entry in ClinVar:

NM_000091.5(COL4A3):c.2094A>T (p.Gly698=)

Genes: COL4A3 (collagen type IV alpha 3 chain; plus strand), MFF-DT (MFF divergent transcript; minus strand). Cytogenetic location: 2q36.3.
Variant type: single nucleotide variant.
Coding change: c.2094A>T on transcript NM_000091.5 (MANE Select); coding-DNA position 2094, A replaced by T.
Protein change: p.Gly698=; no amino-acid change (glycine 698 retained).
Molecular consequence: synonymous variant.
Genome position (GRCh38, 1-based): chr2:227,277,522, A>T. VCF-style: chr2-227277522-A-T. GRCh37 (hg19) VCF-style: chr2-228142238-A-T.
Identifiers: ClinVar variation 1957402 (VCV001957402.5), dbSNP rs766785260, ClinGen allele CA2146851.

ClinVar aggregate classification (germline): Uncertain significance (1 of 4 stars; one submission).

Allele frequency attached by ClinVar (database versions not stated): gnomAD exomes 0.00001; ExAC 0.00003.
gnomAD v4.1: 8 of 1,612,290 alleles (0.0005%); highest among the groups gnomAD compares: Admixed American, 0.0033%; no homozygotes.

Submission:

Labcorp Genetics (formerly Invitae), Labcorp
Classification: Uncertain significance. Last evaluated: 2025-06-12. Review status: criteria provided, single submitter. Criteria: Invitae Variant Classification Sherloc (09022015). Collection method: clinical testing. Allele origin: germline.
Comment: This sequence change affects codon 698 of the COL4A3 mRNA. It is a 'silent' change, meaning that it does not change the encoded amino acid sequence of the COL4A3 protein. This variant is present in population databases (rs766785260, gnomAD 0.006%). This variant has not been reported in the literature in individuals affected with COL4A3-related conditions. ClinVar contains an entry for this variant (Variation ID: 1957402). Algorithms developed to predict the effect of sequence changes on RNA splicing suggest that this variant may disrupt the consensus splice site. In summary, the available evidence is currently insufficient to determine the role of this variant in disease. Therefore, it has been classified as a Variant of Uncertain Significance.